The following is an entry in ClinVar:

ClinVar aggregate classification (germline): Likely benign (0 of 4 stars; one submission).

Conditions:
GIGYF1-related disorder. Also called: GIGYF1-related condition.

gnomAD v4.1: 1 of 1,555,538 alleles (0.000064%); no homozygotes.

Submission:

PreventionGenetics, part of Exact Sciences
Classification: Likely benign for GIGYF1-related condition. Last evaluated: 2019-08-28. Review status: no assertion criteria provided. Collection method: clinical testing. Allele origin: germline.
Comment: This variant is classified as likely benign based on ACMG/AMP sequence variant interpretation guidelines (Richards et al. 2015 PMID: 25741868, with internal and published modifications).

NM_001375765.1(GIGYF1):c.1896G>T (p.Thr632=)

Gene: GIGYF1 (GRB10 interacting GYF protein 1; minus strand). Cytogenetic location: 7q22.1.
Variant type: single nucleotide variant.
Coding change: c.1896G>T on transcript NM_001375765.1 (MANE Select); coding-DNA position 1896, G replaced by T.
Protein change: p.Thr632=; no amino-acid change (threonine 632 retained).
Molecular consequence: synonymous variant. On other transcripts: non-coding transcript variant (1).
Genome position (GRCh38, 1-based): chr7:100,683,891, C>A on the plus strand (G>T on the coding strand, the complement: GIGYF1 is on the minus strand). VCF-style: chr7-100683891-C-A. GRCh37 (hg19) VCF-style: chr7-100281514-C-A.
Other names: NM_022574.4:c.1896G>T; c.1896G>T, p.Thr632= (NM_001375759.1, NM_001375760.1, NM_001375761.1 and 6 more transcripts).
Identifiers: ClinVar variation 3356934 (VCV003356934.1).